The following is an entry in ClinVar:

NM_001004334.4(GPR179):c.983C>T (p.Pro328Leu)

Gene: GPR179 (G protein-coupled receptor 179; minus strand). Cytogenetic location: 17q12.
Variant type: single nucleotide variant.
Coding change: c.983C>T on transcript NM_001004334.4 (MANE Select); coding-DNA position 983, C replaced by T.
Protein change: p.Pro328Leu; replaces proline 328 with leucine.
Molecular consequence: missense variant.
Genome position (GRCh38, 1-based): chr17:38,337,641, G>A on the plus strand (C>T on the coding strand, the complement: GPR179 is on the minus strand). VCF-style: chr17-38337641-G-A. GRCh37 (hg19) VCF-style: chr17-36493524-G-A.
Other names: short protein forms P328L.
Identifiers: ClinVar variation 891151 (VCV000891151.7), dbSNP rs370808770, ClinGen allele CA290109608.

ClinVar aggregate classification (germline): Uncertain significance. Review status: criteria provided, multiple submitters, no conflicts (2 of 4 stars). 4 submissions from 4 submitters: Uncertain significance (4). Last evaluated 2025-05-15.

Conditions:
Inborn genetic diseases. Identifiers: MedGen C0950123, MeSH D030342.
Congenital stationary night blindness 1E. Also called: Night blindness, congenital stationary (complete), 1E, autosomal recessive. Identifiers: Orphanet 215, MedGen C3281215, MONDO:0013807, OMIM 614565.

Allele frequency attached by ClinVar (database versions not stated): ExAC 0.00003; gnomAD exomes 0.00003; TOPMed 0.00005; gnomAD 0.00006; ESP Exome Variant Server 0.00008.

Submissions (4):

Ambry Genetics
Classification: Uncertain significance for Inborn genetic diseases. Last evaluated: 2025-05-15. Review status: criteria provided, single submitter. Criteria: Ambry Variant Classification Scheme 2023. Collection method: clinical testing. Allele origin: germline.

Blueprint Genetics
Classification: Uncertain significance. Last evaluated: 2024-03-19. Review status: criteria provided, single submitter. Criteria: ACMG Guidelines, 2015. Collection method: clinical testing. Allele origin: germline.

Labcorp Genetics (formerly Invitae), Labcorp
Classification: Uncertain significance. Last evaluated: 2022-07-11. Review status: criteria provided, single submitter. Criteria: Invitae Variant Classification Sherloc (09022015). Collection method: clinical testing. Allele origin: germline.
Comment: This sequence change replaces proline, which is neutral and non-polar, with leucine, which is neutral and non-polar, at codon 328 of the GPR179 protein (p.Pro328Leu). This variant is present in population databases (rs370808770, gnomAD 0.007%). This variant has not been reported in the literature in individuals affected with GPR179-related conditions. ClinVar contains an entry for this variant (Variation ID: 891151). Algorithms developed to predict the effect of missense changes on protein structure and function output the following: SIFT: "Tolerated"; PolyPhen-2: "Benign"; Align-GVGD: "Class C0". The leucine amino acid residue is found in multiple mammalian species, which suggests that this missense change does not adversely affect protein function. In summary, the available evidence is currently insufficient to determine the role of this variant in disease. Therefore, it has been classified as a Variant of Uncertain Significance.

Illumina Laboratory Services, Illumina
Classification: Uncertain significance for Congenital stationary night blindness 1E. Last evaluated: 2018-01-13. Review status: criteria provided, single submitter. Criteria: ICSL Variant Classification Criteria 13 December 2019. Collection method: clinical testing. Allele origin: germline.